The following is an entry in ClinVar:

NM_000551.4(VHL):c.83_100dup (p.Asp28_Ser33dup)

Gene: VHL (von Hippel-Lindau tumor suppressor; plus strand). Cytogenetic location: 3p25.3.
Variant type: Duplication.
Coding change: c.83_100dup on transcript NM_000551.4 (MANE Select); coding-DNA positions 83 to 100, 18 bases duplicated (ACGGCGGGGAGGAGTCGG).
Protein change: p.Asp28_Ser33dup.
Molecular consequence: inframe insertion.
Genome position (GRCh38, 1-based): chr3:10,141,930-10,141,947, ACGGCGGGGAGGAGTCGG duplicated; duplicating any 18 consecutive bases within chr3:10,141,929-10,141,947 gives the same sequence; the c. name uses the placement nearest the transcript's 3' end. VCF-style (leftmost placement, unchanged base first): chr3-10141928-A-AGACGGCGGGGAGGAGTCG. GRCh37 (hg19) VCF-style: chr3-10183612-A-AGACGGCGGGGAGGAGTCG.
Other names: c.83_100dup18 (NM_000551.3); c.83_100dup, p.Asp28_Ser33dup (NM_001354723.2, NM_198156.3).
Identifiers: ClinVar variation 371945 (VCV000371945.11), dbSNP rs1057517592, ClinGen allele CA16042062.
Genomic context (GRCh38, chr3:10,141,928, plus strand): 5'-CTGGGACGAGGCCGAGGTAGGCGCGGAGGAGGCAGGCGTCGAAGAGTACGGCCCTGAAGA[A>AGACGGCGGGGAGGAGTCG]GACGGCGGGGAGGAGTCGGGCGCCGAGGAGTCCGGCCCGGAAGAGTCCGGCCCGGAGGAA-3'

ClinVar aggregate classification (germline): Uncertain significance. Review status: criteria provided, single submitter (1 of 4 stars). 2 submissions from 2 submitters: Uncertain significance (1). 1 of the submissions does not count toward it. Last evaluated 2025-08-07.

Conditions:
Chuvash polycythemia. Also called: POLYCYTHEMIA, VHL-DEPENDENT. Identifiers: Orphanet 238557, MedGen C1837915, MONDO:0009892, OMIM 263400.
Von Hippel-Lindau syndrome (VHLS). Also called: von Hippel–Lindau syndrome; Von Hippel-Lindau; VHL syndrome. Identifiers: Orphanet 892, MedGen C0019562, MONDO:0008667, OMIM 193300. Disease mechanism: loss of function.

Submissions (2):

Labcorp Genetics (formerly Invitae), Labcorp
Classification: Uncertain significance for Von Hippel-Lindau syndrome; Chuvash polycythemia. Last evaluated: 2025-08-07. Review status: criteria provided, single submitter. Criteria: Invitae Variant Classification Sherloc (09022015). Collection method: clinical testing. Allele origin: germline.
Comment: This variant, c.83_100dup, results in the insertion of 6 amino acid(s) of the VHL protein (p.Asp28_Ser33dup), but otherwise preserves the integrity of the reading frame. This variant is not present in population databases (gnomAD no frequency). This variant has not been reported in the literature in individuals affected with VHL-related conditions. ClinVar contains an entry for this variant (Variation ID: 371945). Experimental studies and prediction algorithms are not available or were not evaluated, and the functional significance of this variant is currently unknown. In summary, the available evidence is currently insufficient to determine the role of this variant in disease. Therefore, it has been classified as a Variant of Uncertain Significance.

Counsyl
Classification: Uncertain significance for Von Hippel-Lindau syndrome. Last evaluated: 2016-09-09. Review status: no assertion criteria provided. Collection method: clinical testing. Allele origin: unknown. Not counted in ClinVar's aggregate classification.